The following is an entry in ClinVar:

NM_001130987.2(DYSF):c.5236C>T (p.Gln1746Ter)

Gene: DYSF (dysferlin; plus strand). Cytogenetic location: 2p13.2.
Variant type: single nucleotide variant.
Coding change: c.5236C>T on transcript NM_001130987.2 (MANE Select); coding-DNA position 5236, C replaced by T.
Protein change: p.Gln1746Ter; replaces glutamine 1746 with a stop codon.
Molecular consequence: nonsense.
Genome position (GRCh38, 1-based): chr2:71,665,223, C>T. VCF-style: chr2-71665223-C-T. GRCh37 (hg19) VCF-style: chr2-71892353-C-T.
Other names: c.5122C>T, p.Gln1708Ter (NM_001130455.2); c.5077C>T, p.Gln1693Ter (NM_001130976.2); c.5140C>T, p.Gln1714Ter (NM_001130977.2); c.5182C>T, p.Gln1728Ter (NM_001130978.2); c.5212C>T, p.Gln1738Ter (NM_001130979.2); c.5170C>T, p.Gln1724Ter (NM_001130980.2); c.5233C>T, p.Gln1745Ter (NM_001130981.2); c.5215C>T, p.Gln1739Ter (NM_001130982.2); and 5 more; short protein forms Q1693*, Q1694*, Q1707*, Q1708*, Q1714*, Q1715*, Q1724*, Q1725*.
Identifiers: ClinVar variation 5014580 (VCV005014580.1).
Genomic context (GRCh38, chr2:71,665,223, plus strand): 5'-TCTGGACCGAACCAGTGGCGGGACCAGCTCCGCCCCTCCCAGCTCCTCCACCTCTTCTGC[C>T]AGCAGCATAGAGTCAAGGCACCTGTGTACCGGACAGACCGTGTAATGTTTCAGGATAAAG-3'

ClinVar aggregate classification (germline): Pathogenic (1 of 4 stars; one submission).

Conditions:
Autosomal recessive limb-girdle muscular dystrophy. Identifiers: Orphanet 102015, MedGen C2931907, MONDO:0015152.

gnomAD v4.1: 1 of 1,614,114 alleles (0.000062%); highest among the groups gnomAD compares: Non-Finnish European, 0.000085%; no homozygotes.

Submission:

Myriad Genetics, Inc.
Classification: Pathogenic for Autosomal recessive limb-girdle muscular dystrophy. Last evaluated: 2025-06-10. Review status: criteria provided, single submitter. Criteria: Myriad Autosomal Dominant, Autosomal Recessive and X-Linked Classification Criteria (2023). Collection method: clinical testing. Allele origin: unknown.
Comment: NM_003494.3(DYSF):c.5119C>T(Q1707*) is expected to be pathogenic in the context of dysferlinopathy. This variant is predicted to lead to an abnormal or absent protein product due to the creation of a premature termination codon in DYSF, a gene where loss-of-function variants are known to be pathogenic. Please note: this variant was assessed in the context of healthy population screening.